The following is an entry in ClinVar:

NM_004006.3(DMD):c.6913-3763C>T

Gene: DMD (dystrophin; minus strand). Cytogenetic location: Xp21.1.
Variant type: single nucleotide variant.
Coding change: c.6913-3763C>T on transcript NM_004006.3 (MANE Select); 3763 bases into the intron before coding-DNA position 6913, C replaced by T.
Molecular consequence: intron variant.
Genome position (GRCh38, 1-based): chrX:31,879,136, G>A on the plus strand (C>T on the coding strand, the complement: DMD is on the minus strand). VCF-style: chrX-31879136-G-A. GRCh37 (hg19) VCF-style: chrX-31897253-G-A.
Other names: c.6889-3763C>T (NM_000109.4); c.2890-3763C>T (NM_004011.4); c.2881-3763C>T (NM_004012.4); c.-468-3763C>T (NM_004023.3, NM_004020.4, NM_004022.3 and 2 more transcripts); c.6901-3763C>T (NM_004009.3); c.6544-3763C>T (NM_004010.3).
Identifiers: ClinVar variation 671088 (VCV000671088.1), dbSNP rs5927896, ClinGen allele CA328483408.

ClinVar aggregate classification (germline): Benign (1 of 4 stars; one submission).

Allele frequency attached by ClinVar (database versions not stated): 1000 Genomes Project 0.88079; 1000 Genomes Project 30x 0.88429; gnomAD 0.90208; TOPMed 0.91125.

Submission:

GeneDx
Classification: Benign. Last evaluated: 2018-06-14. Review status: criteria provided, single submitter. Criteria: GeneDx Variant Classification (06012015). Collection method: clinical testing. Allele origin: germline. Affected: yes.
Comment: This variant is considered likely benign or benign based on one or more of the following criteria: it is a conservative change, it occurs at a poorly conserved position in the protein, it is predicted to be benign by multiple in silico algorithms, and/or has population frequency not consistent with disease.